The following is an entry in ClinVar:

ClinVar aggregate classification (germline): Uncertain significance (1 of 4 stars; one submission).

Conditions:
Familial sleep-related hypermotor epilepsy. Also called: Autosomal Dominant Sleep-Related Hypermotor (Hyperkinetic) Epilepsy. Identifiers: Orphanet 98784, MedGen C3696898, MONDO:0000030.

Allele frequency attached by ClinVar (database versions not stated): gnomAD exomes below 0.00001; ExAC 0.00001.

Submission:

Labcorp Genetics (formerly Invitae), Labcorp
Classification: Uncertain significance. Last evaluated: 2022-08-17. Review status: criteria provided, single submitter. Criteria: Invitae Variant Classification Sherloc (09022015). Collection method: clinical testing. Allele origin: germline.
Comment: ClinVar contains an entry for this variant (Variation ID: 1038764). This variant has not been reported in the literature in individuals affected with CHRNA4-related conditions. This variant is present in population databases (rs760044129, gnomAD 0.003%). This sequence change replaces isoleucine, which is neutral and non-polar, with valine, which is neutral and non-polar, at codon 58 of the CHRNA4 protein (p.Ile58Val). Algorithms developed to predict the effect of missense changes on protein structure and function (SIFT, PolyPhen-2, Align-GVGD) all suggest that this variant is likely to be tolerated. In summary, the available evidence is currently insufficient to determine the role of this variant in disease. Therefore, it has been classified as a Variant of Uncertain Significance.

NM_000744.7(CHRNA4):c.172A>G (p.Ile58Val)

Gene: CHRNA4 (cholinergic receptor nicotinic alpha 4 subunit; minus strand). Cytogenetic location: 20q13.33.
Variant type: single nucleotide variant.
Coding change: c.172A>G on transcript NM_000744.7 (MANE Select); coding-DNA position 172, A replaced by G.
Protein change: p.Ile58Val; replaces isoleucine 58 with valine.
Molecular consequence: missense variant. On other transcripts: 5 prime UTR variant (1), non-coding transcript variant (1).
Genome position (GRCh38, 1-based): chr20:63,359,604, T>C on the plus strand (A>G on the coding strand, the complement: CHRNA4 is on the minus strand). VCF-style: chr20-63359604-T-C. GRCh37 (hg19) VCF-style: chr20-61990956-T-C.
Other names: c.-375A>G (NM_001256573.2); short protein forms I58V.
Identifiers: ClinVar variation 1038764 (VCV001038764.10), dbSNP rs760044129, ClinGen allele CA9957958.